The following is an entry in ClinVar:

NM_000553.6(WRN):c.6T>G (p.Ser2Arg)

Gene: WRN (WRN RecQ like helicase; plus strand). Cytogenetic location: 8p12.
Variant type: single nucleotide variant.
Coding change: c.6T>G on transcript NM_000553.6 (MANE Select); coding-DNA position 6, T replaced by G.
Protein change: p.Ser2Arg; replaces serine 2 with arginine.
Molecular consequence: missense variant.
Genome position (GRCh38, 1-based): chr8:31,058,453, T>G. VCF-style: chr8-31058453-T-G. GRCh37 (hg19) VCF-style: chr8-30915969-T-G.
Other names: short protein forms S2R.
Identifiers: ClinVar variation 1473754 (VCV001473754.3), dbSNP rs2130000474, ClinGen allele CA370911974.
Genomic context (GRCh38, chr8:31,058,453, plus strand): 5'-GTATTTACCCATGAAGACATTGTTTTTTGGACTCTGCAAATAGGACATTTCAAAGATGAG[T>G]GAAAAAAAATTGGAAACAACTGCACAGCAGCGGAAATGTCCTGAATGGATGAATGTGCAG-3'
Protein context (NP_000544.2, residues 1-12): M[Ser2Arg]EKKLETTAQQ

ClinVar aggregate classification (germline): Uncertain significance (1 of 4 stars; one submission).

Conditions:
Werner syndrome (WRN). Identifiers: Orphanet 902, MedGen C0043119, MONDO:0010196, OMIM 277700.

Submission:

Labcorp Genetics (formerly Invitae), Labcorp
Classification: Uncertain significance for Werner syndrome. Last evaluated: 2021-12-27. Review status: criteria provided, single submitter. Criteria: Invitae Variant Classification Sherloc (09022015). Collection method: clinical testing. Allele origin: germline.
Comment: This sequence change replaces serine, which is neutral and polar, with arginine, which is basic and polar, at codon 2 of the WRN protein (p.Ser2Arg). This variant is not present in population databases (gnomAD no frequency). This variant has not been reported in the literature in individuals affected with WRN-related conditions. Algorithms developed to predict the effect of missense changes on protein structure and function are either unavailable or do not agree on the potential impact of this missense change (SIFT: "Not Available"; PolyPhen-2: "Benign"; Align-GVGD: "Not Available"). In summary, the available evidence is currently insufficient to determine the role of this variant in disease. Therefore, it has been classified as a Variant of Uncertain Significance.